The following is an entry in ClinVar:

ClinVar aggregate classification (germline): Likely benign. Review status: criteria provided, single submitter (1 of 4 stars). 3 submissions from 3 submitters: Likely benign (1). 2 of the submissions do not count toward it. Last evaluated 2025-12-09.

Conditions:
Sanfilippo syndrome. Also called: Sanfilippo disease; Mucopolysaccharidosis type 3; Mucopolysaccharidosis Type III. Identifiers: Orphanet 581, MedGen C0026706, MONDO:0018937.
Mucopolysaccharidosis, MPS-III-D (MPS3D). Also called: MPS III D; Mucopoly-saccharidosis type 3D; N-acetylglucosamine-6-sulfate sulfatase deficiency; MPS 3D; N-ACETYLGLUCOSAMINE-6-SULFATASE DEFICIENCY; SANFILIPPO SYNDROME D. Identifiers: Orphanet 581, Orphanet 79272, MedGen C0086650, MONDO:0009658, OMIM 252940.
GNS-related disorder. Also called: GNS-related condition.

Allele frequency attached by ClinVar (database versions not stated): gnomAD 0.00003; ExAC 0.00015; gnomAD exomes 0.00021.
gnomAD v4.1: 44 of 1,603,202 alleles (0.0027%); highest among the groups gnomAD compares: East Asian, 0.094%; 1 homozygote.

Submissions (3):

Labcorp Genetics (formerly Invitae), Labcorp
Classification: Likely benign for Mucopolysaccharidosis, MPS-III-D. Last evaluated: 2025-12-09. Review status: criteria provided, single submitter. Criteria: Invitae Variant Classification Sherloc (09022015). Collection method: clinical testing. Allele origin: germline.

PreventionGenetics, part of Exact Sciences
Classification: Likely benign for GNS-related condition. Last evaluated: 2023-04-12. Review status: no assertion criteria provided. Collection method: clinical testing. Allele origin: germline. Not counted in ClinVar's aggregate classification.
Comment: This variant is classified as likely benign based on ACMG/AMP sequence variant interpretation guidelines (Richards et al. 2015 PMID: 25741868, with internal and published modifications).

Natera, Inc.
Classification: Benign for Sanfilippo disease. Last evaluated: 2019-10-22. Review status: no assertion criteria provided. Collection method: clinical testing. Allele origin: germline. Not counted in ClinVar's aggregate classification.

NM_002076.4(GNS):c.1155C>A (p.Asp385Glu)

Gene: GNS (glucosamine (N-acetyl)-6-sulfatase; minus strand). Cytogenetic location: 12q14.3.
Variant type: single nucleotide variant.
Coding change: c.1155C>A on transcript NM_002076.4 (MANE Select); coding-DNA position 1155, C replaced by A.
Protein change: p.Asp385Glu; replaces aspartic acid 385 with glutamic acid.
Molecular consequence: missense variant.
Genome position (GRCh38, 1-based): chr12:64,729,001, G>T on the plus strand (C>A on the coding strand, the complement: GNS is on the minus strand). VCF-style: chr12-64729001-G-T. GRCh37 (hg19) VCF-style: chr12-65122781-G-T.
Other names: c.1155C>A (NM_002076.3); short protein forms D385E.
Identifiers: ClinVar variation 1155309 (VCV001155309.10), dbSNP rs755021062, ClinGen allele CA6669739.